The following is an entry in ClinVar:

NM_020812.4(DOCK6):c.1718G>A (p.Arg573Gln)

Gene: DOCK6 (dedicator of cytokinesis 6; minus strand). Cytogenetic location: 19p13.2.
Variant type: single nucleotide variant.
Coding change: c.1718G>A on transcript NM_020812.4 (MANE Select); coding-DNA position 1718, G replaced by A.
Protein change: p.Arg573Gln; replaces arginine 573 with glutamine.
Molecular consequence: missense variant.
Genome position (GRCh38, 1-based): chr19:11,238,230, C>T on the plus strand (G>A on the coding strand, the complement: DOCK6 is on the minus strand). VCF-style: chr19-11238230-C-T. GRCh37 (hg19) VCF-style: chr19-11348906-C-T.
Other names: c.1718G>A, p.Arg573Gln (NM_001367830.1); c.1718G>A (NM_020812.3); short protein forms R573Q.
Identifiers: ClinVar variation 2084738 (VCV002084738.3), dbSNP rs201374358, ClinGen allele CA9207880.
Genomic context (GRCh38, chr19:11,238,230, plus strand): 5'-GGGGCACAGCCACTGACCGGCAGAGCCTGGCTGGGGTCCTCGCCTGTCATGTACTGCACT[C>T]GCACAGCAAGGTTGCGCACGGAGCCCTGGCGGCTGCTGAAGTTGAGGCTGTGCGGGTACA-3'
Protein context (NP_065863.2, residues 563-583): RQGSVRNLAV[Arg573Gln]VQYMTGEDPS

ClinVar aggregate classification (germline): Uncertain significance. Review status: criteria provided, multiple submitters, no conflicts (2 of 4 stars). 3 submissions from 3 submitters: Uncertain significance (3). Last evaluated 2025-05-23.

Allele frequency attached by ClinVar (database versions not stated): gnomAD exomes 0.00003; TOPMed 0.00006; gnomAD 0.00007; ExAC 0.00009; 1000 Genomes Project 30x 0.00078; 1000 Genomes Project 0.00080.
gnomAD v4.1: 62 of 1,613,590 alleles (0.0038%); highest among the groups gnomAD compares: East Asian, 0.082%; no homozygotes.

Submissions (3):

GeneDx
Classification: Uncertain significance. Last evaluated: 2025-05-23. Review status: criteria provided, single submitter. Criteria: GeneDx Variant Classification Process June 2021. Collection method: clinical testing. Allele origin: germline. Affected: yes.
Comment: In silico analysis suggests that this missense variant does not alter protein structure/function; Has not been previously published as pathogenic or benign to our knowledge

Blueprint Genetics
Classification: Uncertain significance. Last evaluated: 2024-02-14. Review status: criteria provided, single submitter. Criteria: ACMG Guidelines, 2015. Collection method: clinical testing. Allele origin: germline.

Labcorp Genetics (formerly Invitae), Labcorp
Classification: Uncertain significance. Last evaluated: 2022-05-25. Review status: criteria provided, single submitter. Criteria: Invitae Variant Classification Sherloc (09022015). Collection method: clinical testing. Allele origin: germline.
Comment: This sequence change replaces arginine, which is basic and polar, with glutamine, which is neutral and polar, at codon 573 of the DOCK6 protein (p.Arg573Gln). This variant is present in population databases (rs201374358, gnomAD 0.1%). This variant has not been reported in the literature in individuals affected with DOCK6-related conditions. Algorithms developed to predict the effect of missense changes on protein structure and function are either unavailable or do not agree on the potential impact of this missense change (SIFT: "Deleterious"; PolyPhen-2: "Benign"; Align-GVGD: "Class C0"). In summary, the available evidence is currently insufficient to determine the role of this variant in disease. Therefore, it has been classified as a Variant of Uncertain Significance.